The following is an entry in ClinVar:

ClinVar aggregate classification (germline): Likely pathogenic (1 of 4 stars; one submission).

Conditions:
Mucopolysaccharidosis, MPS-I-H/S. Also called: Mucopolysaccharidosis type IH/S. Identifiers: Orphanet 93476, MedGen C0086431, MONDO:0011759, OMIM 607015.

Submission:

Myriad Genetics, Inc.
Classification: Likely pathogenic for Mucopolysaccharidosis, MPS-I-H/S. Last evaluated: 2021-12-23. Review status: criteria provided, single submitter. Criteria: Myriad Women's Health Autosomal Recessive and X-Linked Classification Criteria (2021). Collection method: clinical testing. Allele origin: unknown.
Comment: NM_000203.3(IDUA):c.751delG(E251Rfs*66) is expected to be pathogenic in the context of mucopolysaccharidosis type I. This variant is predicted to lead to an abnormal or absent protein product due to the creation of a premature termination codon in IDUA, a gene where loss-of-function variants are known to be pathogenic. Please note: this variant was assessed in the context of healthy population screening.

NM_000203.5(IDUA):c.751del (p.Glu251fs)

Gene: IDUA (alpha-L-iduronidase; plus strand). Cytogenetic location: 4p16.3.
Variant type: Deletion.
Coding change: c.751del on transcript NM_000203.5 (MANE Select); coding-DNA position 751, one base deleted (G; older notation c.751delG).
Protein change: p.Glu251fs; shifts the reading frame from glutamic acid 251.
Molecular consequence: frameshift variant. On other transcripts: non-coding transcript variant (1).
Genome position (GRCh38, 1-based): chr4:1,001,840, G deleted; the last of 4 consecutive G bases (chr4:1,001,837-1,001,840); deleting any one gives the same sequence. VCF-style (leftmost placement, unchanged base first): chr4-1001836-TG-T. GRCh37 (hg19) VCF-style: chr4-995624-TG-T.
Other names: c.355del, p.Glu119fs (NM_001363576.1); short protein forms E119fs, E251fs.
Identifiers: ClinVar variation 1726576 (VCV001726576.2), dbSNP rs2534085607, ClinGen allele CA2580070655.